The following is an entry in ClinVar:

ClinVar aggregate classification (germline): Conflicting classifications of pathogenicity. Review status: criteria provided, conflicting classifications (1 of 4 stars). 2 submissions from 2 submitters: Uncertain significance (1); Likely benign (1). Last evaluated 2025-10-26.

Allele frequency attached by ClinVar (database versions not stated): gnomAD 0.00001; TOPMed 0.00002; ExAC 0.00003.
gnomAD v4.1: 10 of 766,066 alleles (0.0013%); highest among the groups gnomAD compares: Admixed American, 0.017%; no homozygotes.

Submissions (2):

Labcorp Genetics (formerly Invitae), Labcorp
Classification: Likely benign. Last evaluated: 2025-10-26. Review status: criteria provided, single submitter. Criteria: Invitae Variant Classification Sherloc (09022015). Collection method: clinical testing. Allele origin: germline.

GeneDx
Classification: Uncertain significance. Last evaluated: 2022-03-29. Review status: criteria provided, single submitter. Criteria: GeneDx Variant Classification Process June 2021. Collection method: clinical testing. Allele origin: germline. Affected: yes.
Comment: In silico analysis supports that this variant does not alter splicing; Has not been previously published as pathogenic or benign to our knowledge

NM_022124.6(CDH23):c.1135-10C>G

Gene: CDH23 (cadherin related 23; plus strand). Cytogenetic location: 10q22.1.
Variant type: single nucleotide variant.
Coding change: c.1135-10C>G on transcript NM_022124.6 (MANE Select); 10 bases into the intron before coding-DNA position 1135, C replaced by G.
Molecular consequence: intron variant.
Genome position (GRCh38, 1-based): chr10:71,643,851, C>G. VCF-style: chr10-71643851-C-G. GRCh37 (hg19) VCF-style: chr10-73403608-C-G.
Other names: c.1135-10C>G (NM_001171930.2, NM_001171931.2, NM_052836.4).
Identifiers: ClinVar variation 1099759 (VCV001099759.10), dbSNP rs749236786, ClinGen allele CA5543671.
Genomic context (GRCh38, chr10:71,643,851, plus strand): 5'-TCCTCTCCATACCTCTCCGGCTCCTTCTGTCTGTCTCCATATCCTTTGACTGACCGACTC[C>G]CATTGACAGAATTTGGTAAGTGAGCCTCTGAAGGGCAGGGGTTGGGCTTGGGGAGGGCTT-3'